The following is an entry in ClinVar:

ClinVar aggregate classification (germline): Benign (0 of 4 stars; one submission).

Conditions:
PLXNA4-related disorder. Also called: PLXNA4-related condition.

Allele frequency attached by ClinVar (database versions not stated): ESP Exome Variant Server 0.00857; TOPMed 0.03762; 1000 Genomes Project 30x 0.07854; 1000 Genomes Project 0.07887.
gnomAD v4.1: 26,650 of 1,614,098 alleles (1.7%); highest among the groups gnomAD compares: Admixed American, 18%; 1,750 homozygotes.

Submissions (2):

PreventionGenetics, part of Exact Sciences
Classification: Benign for PLXNA4-related condition. Last evaluated: 2022-08-01. Review status: no assertion criteria provided. Collection method: clinical testing. Allele origin: germline.
Comment: This variant is classified as benign based on ACMG/AMP sequence variant interpretation guidelines (Richards et al. 2015 PMID: 25741868, with internal and published modifications).

Dr. Peter K. Rogan Lab, Western University
No classification provided (evidence only). Condition: Sarcoma. Review status: no classification provided. Collection method: in vitro. Allele origin: not applicable. Functional consequence: retained intron. Not counted in ClinVar's aggregate classification.

NM_020911.2(PLXNA4):c.1815C>G (p.Val605=)

Gene: PLXNA4 (plexin A4; minus strand). Cytogenetic location: 7q32.3.
Variant type: single nucleotide variant.
Coding change: c.1815C>G on transcript NM_020911.2 (MANE Select); coding-DNA position 1815, C replaced by G.
Protein change: p.Val605=; no amino-acid change (valine 605 retained).
Molecular consequence: synonymous variant.
Genome position (GRCh38, 1-based): chr7:132,227,518, G>C on the plus strand (C>G on the coding strand, the complement: PLXNA4 is on the minus strand). VCF-style: chr7-132227518-G-C. GRCh37 (hg19) VCF-style: chr7-131912277-G-C.
Other names: NC_000007.13:g.131912277G>C; c.1815C>G, p.Val605= (NM_001393897.1).
Identifiers: ClinVar variation 3060134 (VCV003060134.3), dbSNP rs76286420, ClinGen allele CA4489991.
Genomic context (GRCh38, chr7:132,227,518, plus strand): 5'-TGTGATGATCCGGGGCACCTCCTTGGCTGCAGGGGAGTAGCACTGGATCTGATTGCCCAC[G>C]ACCAGCCCATCCATCTCTGACAGGTCCTCAAAGGTGCAGTTGACGCCAGCTGACAGCTCC-3'
Protein context (NP_065962.1, residues 595-615): FEDLSEMDGL[Val605=]VGNQIQCYSP